The following is an entry in ClinVar:

ClinVar aggregate classification (germline): Uncertain significance. Review status: criteria provided, multiple submitters, no conflicts (2 of 4 stars). 2 submissions from 2 submitters: Uncertain significance (2). Last evaluated 2025-10-06.

gnomAD v4.1: 2 of 1,613,496 alleles (0.00012%); highest among the groups gnomAD compares: African/African-American, 0.0027%; no homozygotes.

Submissions (2):

Labcorp Genetics (formerly Invitae), Labcorp
Classification: Uncertain significance. Last evaluated: 2025-10-06. Review status: criteria provided, single submitter. Criteria: Invitae Variant Classification Sherloc (09022015). Collection method: clinical testing. Allele origin: germline.
Comment: This sequence change replaces methionine, which is neutral and non-polar, with isoleucine, which is neutral and non-polar, at codon 342 of the A2ML1 protein (p.Met342Ile). This variant is present in population databases (no rsID available, gnomAD 0.01%). This variant has not been reported in the literature in individuals affected with A2ML1-related conditions. ClinVar contains an entry for this variant (Variation ID: 3535981). An algorithm developed to predict the effect of missense changes on protein structure and function outputs the following: PolyPhen-2: "Benign". The isoleucine amino acid residue is found in multiple mammalian species, which suggests that this missense change does not adversely affect protein function. In summary, the available evidence is currently insufficient to determine the role of this variant in disease. Therefore, it has been classified as a Variant of Uncertain Significance.

Ambry Genetics
Classification: Uncertain significance. Last evaluated: 2024-11-03. Review status: criteria provided, single submitter. Criteria: Ambry Variant Classification Scheme 2023. Collection method: clinical testing. Allele origin: germline.
Comment: The p.M342I variant (also known as c.1026G>C), located in coding exon 10 of the A2ML1 gene, results from a G to C substitution at nucleotide position 1026. The methionine at codon 342 is replaced by isoleucine, an amino acid with highly similar properties. This amino acid position is conserved. In addition, this alteration is predicted to be tolerated by in silico analysis. Based on the available evidence, the clinical significance of this variant remains unclear.

NM_144670.6(A2ML1):c.1026G>C (p.Met342Ile)

Gene: A2ML1 (alpha-2-macroglobulin like 1; plus strand). Cytogenetic location: 12p13.31.
Variant type: single nucleotide variant.
Coding change: c.1026G>C on transcript NM_144670.6 (MANE Select); coding-DNA position 1026, G replaced by C.
Protein change: p.Met342Ile; replaces methionine 342 with isoleucine.
Molecular consequence: missense variant.
Genome position (GRCh38, 1-based): chr12:8,839,168, G>C. VCF-style: chr12-8839168-G-C. GRCh37 (hg19) VCF-style: chr12-8991764-G-C.
Other names: short protein forms M342I.
Identifiers: ClinVar variation 3535981 (VCV003535981.3).